The following is an entry in ClinVar:

ClinVar aggregate classification (germline): Pathogenic (1 of 4 stars; one submission).

Conditions:
Bloom syndrome (BLM). Also called: Bloom-Torre-Machacek syndrome. Identifiers: Orphanet 125, MedGen C0005859, MONDO:0008876, OMIM 210900.

Submission:

Labcorp Genetics (formerly Invitae), Labcorp
Classification: Pathogenic for Bloom syndrome. Last evaluated: 2023-01-19. Review status: criteria provided, single submitter. Criteria: Invitae Variant Classification Sherloc (09022015). Collection method: clinical testing. Allele origin: germline.
Comment: For these reasons, this variant has been classified as Pathogenic. This variant has not been reported in the literature in individuals affected with BLM-related conditions. This variant is not present in population databases (gnomAD no frequency). This sequence change creates a premature translational stop signal (p.Phe194Leufs*9) in the BLM gene. It is expected to result in an absent or disrupted protein product. Loss-of-function variants in BLM are known to be pathogenic (PMID: 17407155).

Literature cited by the submitters: PubMed 17407155.

NM_000057.4(BLM):c.582_595del (p.Phe194fs)

Gene: BLM (BLM RecQ like helicase; plus strand). Cytogenetic location: 15q26.1.
Variant type: Deletion.
Coding change: c.582_595del on transcript NM_000057.4 (MANE Select); coding-DNA positions 582 to 595, 14 bases deleted (TAAAGCACAGCTTT).
Protein change: p.Phe194fs; shifts the reading frame from phenylalanine 194.
Molecular consequence: frameshift variant. On other transcripts: 5 prime UTR variant (1).
Genome position (GRCh38, 1-based): chr15:90,749,850-90,749,863, TAAAGCACAGCTTT deleted; deleting any 14 consecutive bases within chr15:90,749,847-90,749,863 gives the same sequence; the c. name uses the placement nearest the transcript's 3' end. VCF-style (leftmost placement, unchanged base first): chr15-90749846-TTTTTAAAGCACAGC-T. GRCh37 (hg19) VCF-style: chr15-91293076-TTTTTAAAGCACAGC-T.
Other names: c.582_595del, p.Phe194fs (NM_001287246.2, NM_001287247.2); c.-710_-697del (NM_001287248.2); short protein forms F194fs.
Identifiers: ClinVar variation 2830300 (VCV002830300.3), dbSNP rs2505393476, ClinGen allele CA2630379093.